The following is an entry in ClinVar:

NM_001130009.3(GEN1):c.278G>A (p.Arg93Gln)

Gene: GEN1 (GEN1 Holliday junction 5' flap endonuclease; plus strand). Cytogenetic location: 2p24.2.
Variant type: single nucleotide variant.
Coding change: c.278G>A on transcript NM_001130009.3 (MANE Select); coding-DNA position 278, G replaced by A.
Protein change: p.Arg93Gln; replaces arginine 93 with glutamine.
Molecular consequence: missense variant.
Genome position (GRCh38, 1-based): chr2:17,761,512, G>A. VCF-style: chr2-17761512-G-A. GRCh37 (hg19) VCF-style: chr2-17942779-G-A.
Other names: c.278G>A, p.Arg93Gln (NM_182625.5); short protein forms R93Q.
Identifiers: ClinVar variation 3853527 (VCV003853527.1).

ClinVar aggregate classification (germline): Uncertain significance (1 of 4 stars; one submission).

gnomAD v4.1: 13 of 1,613,202 alleles (0.00081%); highest among the groups gnomAD compares: South Asian, 0.0011%; no homozygotes.

Submission:

Ambry Genetics
Classification: Uncertain significance. Last evaluated: 2025-01-23. Review status: criteria provided, single submitter. Criteria: Ambry Variant Classification Scheme 2023. Collection method: clinical testing. Allele origin: germline.
Comment: The p.R93Q variant (also known as c.278G>A), located in coding exon 2 of the GEN1 gene, results from a G to A substitution at nucleotide position 278. The arginine at codon 93 is replaced by glutamine, an amino acid with highly similar properties. This amino acid position is conserved. In addition, the in silico prediction for this alteration is inconclusive. Based on the available evidence, the clinical significance of this variant remains unclear.